The following is an entry in ClinVar:

NM_001041.4(SI):c.1846A>G (p.Ile616Val)

Gene: SI (sucrase-isomaltase; minus strand). Cytogenetic location: 3q26.1.
Variant type: single nucleotide variant.
Coding change: c.1846A>G on transcript NM_001041.4 (MANE Select); coding-DNA position 1846, A replaced by G.
Protein change: p.Ile616Val; replaces isoleucine 616 with valine.
Molecular consequence: missense variant.
Genome position (GRCh38, 1-based): chr3:165,046,882, T>C on the plus strand (A>G on the coding strand, the complement: SI is on the minus strand). VCF-style: chr3-165046882-T-C. GRCh37 (hg19) VCF-style: chr3-164764670-T-C.
Other names: c.1846A>G (NM_001041.3); short protein forms I616V.
Identifiers: ClinVar variation 2113438 (VCV002113438.5), dbSNP rs2473369858, ClinGen allele CA355052131.
Genomic context (GRCh38, chr3:165,046,882, plus strand): 5'-CTCTATGAAACTGTCTTACCAAAGGTATTCCAAACAAACTGAACTCCAGCATTCCAGTTA[T>C]AGACCATTCCATTTGTTCCCATGAAGCAGTATTGTCTCCTAACCAATGCGCAGCATGTCT-3'
Protein context (NP_001032.2, residues 606-626): TASWEQMEWS[Ile616Val]TGMLEFSLFG

ClinVar aggregate classification (germline): Uncertain significance. Review status: criteria provided, multiple submitters, no conflicts (2 of 4 stars). 2 submissions from 2 submitters: Uncertain significance (2). Last evaluated 2025-06-07.

Conditions:
Inborn genetic diseases. Identifiers: MedGen C0950123, MeSH D030342.

Allele frequency attached by ClinVar (database versions not stated): gnomAD exomes below 0.00001.
gnomAD v4.1: 3 of 1,613,356 alleles (0.00019%); highest among the groups gnomAD compares: Non-Finnish European, 0.00025%; no homozygotes.

Submissions (2):

Ambry Genetics
Classification: Uncertain significance for Inborn genetic diseases. Last evaluated: 2025-06-07. Review status: criteria provided, single submitter. Criteria: Ambry Variant Classification Scheme 2023. Collection method: clinical testing. Allele origin: germline.

Labcorp Genetics (formerly Invitae), Labcorp
Classification: Uncertain significance. Last evaluated: 2025-04-02. Review status: criteria provided, single submitter. Criteria: Invitae Variant Classification Sherloc (09022015). Collection method: clinical testing. Allele origin: germline.
Comment: This sequence change replaces isoleucine, which is neutral and non-polar, with valine, which is neutral and non-polar, at codon 616 of the SI protein (p.Ile616Val). This variant is not present in population databases (gnomAD no frequency). This variant has not been reported in the literature in individuals affected with SI-related conditions. ClinVar contains an entry for this variant (Variation ID: 2113438). Invitae Evidence Modeling of protein sequence and biophysical properties (such as structural, functional, and spatial information, amino acid conservation, physicochemical variation, residue mobility, and thermodynamic stability) indicates that this missense variant is not expected to disrupt SI protein function with a negative predictive value of 95%. In summary, the available evidence is currently insufficient to determine the role of this variant in disease. Therefore, it has been classified as a Variant of Uncertain Significance.